The following is an entry in ClinVar:

ClinVar aggregate classification (germline): Uncertain significance. Review status: criteria provided, multiple submitters, no conflicts (2 of 4 stars). 2 submissions from 2 submitters: Uncertain significance (2). Last evaluated 2025-02-11.

Conditions:
Bethlem myopathy 1A. Also called: Bethlem Muscular Dystrophy; Bethlem myopathy 1; MYOPATHY, BENIGN CONGENITAL, WITH CONTRACTURES. Identifiers: Orphanet 610, MedGen CN029274, MONDO:0024530, OMIM 158810.

Allele frequency attached by ClinVar (database versions not stated): gnomAD 0.00001; TOPMed 0.00001.

Submissions (2):

Revvity Omics, Revvity
Classification: Uncertain significance. Last evaluated: 2025-02-11. Review status: criteria provided, single submitter. Criteria: ACMG Guidelines, 2015. Collection method: clinical testing. Allele origin: germline.

Labcorp Genetics (formerly Invitae), Labcorp
Classification: Uncertain significance for Bethlem myopathy 1A. Last evaluated: 2023-01-16. Review status: criteria provided, single submitter. Criteria: Invitae Variant Classification Sherloc (09022015). Collection method: clinical testing. Allele origin: germline.
Comment: This variant disrupts the triple helix domain of COL6A1. Glycine residues within the Gly-Xaa-Yaa repeats of the triple helix domain are required for the structure and stability of fibrillar collagens (PMID: 7695699, 8218237, 19344236). In COL6A1, variants at these glycine residues are significantly enriched in individuals with autosomal dominant disease (PMID: 15689448, 24038877) compared to the general population (ExAC). In summary, the available evidence is currently insufficient to determine the role of this variant in disease. Therefore, it has been classified as a Variant of Uncertain Significance. This sequence change replaces glycine, which is neutral and non-polar, with serine, which is neutral and polar, at codon 578 of the COL6A1 protein (p.Gly578Ser). This variant is not present in population databases (gnomAD no frequency). This variant has not been reported in the literature in individuals affected with COL6A1-related conditions. ClinVar contains an entry for this variant (Variation ID: 663899). Algorithms developed to predict the effect of missense changes on protein structure and function (SIFT, PolyPhen-2, Align-GVGD) all suggest that this variant is likely to be disruptive.

Literature cited by the submitters: PubMed 7695699 (cited by Labcorp Genetics (formerly Invitae), Labcorp); PubMed 8218237 (cited by Labcorp Genetics (formerly Invitae), Labcorp); PubMed 19344236 (cited by Labcorp Genetics (formerly Invitae), Labcorp); PubMed 15689448 (cited by Labcorp Genetics (formerly Invitae), Labcorp); PubMed 24038877 (cited by Labcorp Genetics (formerly Invitae), Labcorp).

NM_001848.3(COL6A1):c.1732G>A (p.Gly578Ser)

Gene: COL6A1 (collagen type VI alpha 1 chain; plus strand). Cytogenetic location: 21q22.3.
Variant type: single nucleotide variant.
Coding change: c.1732G>A on transcript NM_001848.3 (MANE Select); coding-DNA position 1732, G replaced by A.
Protein change: p.Gly578Ser; replaces glycine 578 with serine.
Molecular consequence: missense variant.
Genome position (GRCh38, 1-based): chr21:45,999,210, G>A. VCF-style: chr21-45999210-G-A. GRCh37 (hg19) VCF-style: chr21-47419124-G-A.
Other names: short protein forms G578S.
Identifiers: ClinVar variation 663899 (VCV000663899.13), dbSNP rs778884385, ClinGen allele CA321973067.
Genomic context (GRCh38, chr21:45,999,210, plus strand): 5'-TAGAACAACGACATTGCACCCCGAGGAGTCAAAGGAGCAAAGGGGTACCGGGGTCCCGAG[G>A]GCCCCCAGGTGGGTGGATGTGGCTGGGTGAGGCCACGGTGGGCTGTGCCTGGGACGCCGG-3'
Protein context (NP_001839.2, residues 568-588): KGAKGYRGPE[Gly578Ser]PQGPPGHQGP